The following is an entry in ClinVar:

NM_003289.4(TPM2):c.302G>C (p.Arg101Pro)

Gene: TPM2 (tropomyosin 2; minus strand). Cytogenetic location: 9p13.3.
Variant type: single nucleotide variant.
Coding change: c.302G>C on transcript NM_003289.4 (MANE Select); coding-DNA position 302, G replaced by C.
Protein change: p.Arg101Pro; replaces arginine 101 with proline.
Molecular consequence: missense variant.
Genome position (GRCh38, 1-based): chr9:35,685,719, C>G on the plus strand (G>C on the coding strand, the complement: TPM2 is on the minus strand). VCF-style: chr9-35685719-C-G. GRCh37 (hg19) VCF-style: chr9-35685716-C-G.
Other names: c.302G>C, p.Arg101Pro (NM_001301226.2, NM_001301227.2, NM_213674.1); short protein forms R101P.
Identifiers: ClinVar variation 2090175 (VCV002090175.2), dbSNP rs2131853430, ClinGen allele CA373368323.

ClinVar aggregate classification (germline): Uncertain significance (1 of 4 stars; one submission).

Conditions:
Arthrogryposis, distal, type 1A. Also called: ARTHROGRYPOSIS MULTIPLEX CONGENITA, DISTAL, TYPE I. Identifiers: Orphanet 1146, MedGen C6022280, MONDO:0007157, OMIM 108120.

Submission:

Labcorp Genetics (formerly Invitae), Labcorp
Classification: Uncertain significance for Arthrogryposis, distal, type 1A. Last evaluated: 2023-08-21. Review status: criteria provided, single submitter. Criteria: Invitae Variant Classification Sherloc (09022015). Collection method: clinical testing. Allele origin: germline.
Comment: This sequence change replaces arginine, which is basic and polar, with proline, which is neutral and non-polar, at codon 101 of the TPM2 protein (p.Arg101Pro). This variant is not present in population databases (gnomAD no frequency). This variant has not been reported in the literature in individuals affected with TPM2-related conditions. ClinVar contains an entry for this variant (Variation ID: 2090175). Advanced modeling of protein sequence and biophysical properties (such as structural, functional, and spatial information, amino acid conservation, physicochemical variation, residue mobility, and thermodynamic stability) performed at Invitae indicates that this missense variant is expected to disrupt TPM2 protein function. In summary, the available evidence is currently insufficient to determine the role of this variant in disease. Therefore, it has been classified as a Variant of Uncertain Significance.